The following is an entry in ClinVar:

NM_138927.4(SON):c.5449A>G (p.Lys1817Glu)

Gene: SON (SON DNA and RNA binding protein; plus strand). Cytogenetic location: 21q22.11.
Variant type: single nucleotide variant.
Coding change: c.5449A>G on transcript NM_138927.4 (MANE Select); coding-DNA position 5449, A replaced by G.
Protein change: p.Lys1817Glu; replaces lysine 1817 with glutamic acid.
Molecular consequence: missense variant. On other transcripts: non-coding transcript variant (1), intron variant (1).
Genome position (GRCh38, 1-based): chr21:33,554,680, A>G. VCF-style: chr21-33554680-A-G. GRCh37 (hg19) VCF-style: chr21-34926986-A-G.
Other names: c.5449A>G, p.Lys1817Glu (NM_001291411.2, NM_032195.3); c.245-2476A>G (NM_001291412.3); short protein forms K1817E.
Identifiers: ClinVar variation 5009867 (VCV005009867.1).

ClinVar aggregate classification (germline): Uncertain significance (1 of 4 stars; one submission).

Submission:

GeneDx
Classification: Uncertain significance. Last evaluated: 2026-02-17. Review status: criteria provided, single submitter. Criteria: GeneDx Variant Classification Process June 2021. Collection method: clinical testing. Allele origin: germline.
Comment: Not observed at significant frequency in large population cohorts (gnomAD); In silico analysis suggests that this missense variant does not alter protein structure/function; Has not been previously published as pathogenic or benign to our knowledge